The following is an entry in ClinVar:

NM_001271.4(CHD2):c.3237G>A (p.Lys1079=)

Gene: CHD2 (chromodomain helicase DNA binding protein 2; plus strand). Cytogenetic location: 15q26.1.
Variant type: single nucleotide variant.
Coding change: c.3237G>A on transcript NM_001271.4 (MANE Select); coding-DNA position 3237, G replaced by A.
Protein change: p.Lys1079=; no amino-acid change (lysine 1079 retained).
Molecular consequence: synonymous variant.
Genome position (GRCh38, 1-based): chr15:92,984,500, G>A. VCF-style: chr15-92984500-G-A. GRCh37 (hg19) VCF-style: chr15-93527730-G-A.
Identifiers: ClinVar variation 2635110 (VCV002635110.2), dbSNP rs2505559097, ClinGen allele CA492500017.
Genomic context (GRCh38, chr15:92,984,500, plus strand): 5'-GCGGCAGAAGGAGCTAGAAGAAATTTATATGCTGCCTCGAATTCGGAGTTCCACTAAAAA[G>A]GTGATCAAGTGAGATGAAAGATATGAAATTATTTCTTATGTTGTGAATGCTACAGAAGTG-3'
Protein context (NP_001262.3, residues 1069-1089): MLPRIRSSTK[Lys1079=]AQTNDSDSDT

ClinVar aggregate classification (germline): Uncertain significance (1 of 4 stars; one submission).

Conditions:
CHD2-related disorder. Also called: CHD2-related condition.

Submission:

PreventionGenetics, part of Exact Sciences
Classification: Uncertain significance for CHD2-related condition. Last evaluated: 2026-01-08. Review status: criteria provided, single submitter. Criteria: ACMG Guidelines, 2015. Collection method: clinical testing. Allele origin: germline.
Comment: The CHD2 c.3237G>A variant is not predicted to result in an amino acid change (p.=). This variant occurs at the last nucleotide at the exon/intron border and is predicted to abolish the donor splice site (Alamut Visual Plus v1.6.1; SpliceAI, Jaganathan et al. 2019. PubMed ID: 30661751). A different nucleotide change at this same position (c.3237G>T, p.Lys1079Asn) that is predicted to impact splicing to the same extent was reported to occur de novo in an individual with autism spectrum disorder (Additional File 7: Data 4, Guo et al 2018. PubMed ID: 30564305). To our knowledge, this variant has not been reported in the literature or in gnomAD, indicating this variant is rare. Although we suspect this variant could be pathogenic, at this time, the clinical significance of this variant is uncertain due to the absence of conclusive functional and genetic evidence.